The following is an entry in ClinVar:

ClinVar aggregate classification (germline): Uncertain significance. Review status: criteria provided, multiple submitters, no conflicts (2 of 4 stars). 2 submissions from 2 submitters: Uncertain significance (2). Last evaluated 2025-12-10.

Conditions:
Erythrocytosis, familial, 3 (ECYT3). Identifiers: Orphanet 247511, MedGen C1853286, MONDO:0012353, OMIM 609820.

Allele frequency attached by ClinVar (database versions not stated): gnomAD exomes below 0.00001.
gnomAD v4.1: 2 of 1,423,802 alleles (0.00014%); highest among the groups gnomAD compares: Non-Finnish European, 0.00018%; no homozygotes.

Submissions (2):

Ambry Genetics
Classification: Uncertain significance. Last evaluated: 2025-12-10. Review status: criteria provided, single submitter. Criteria: Ambry Variant Classification Scheme 2023. Collection method: clinical testing. Allele origin: germline.
Comment: The p.R87G variant (also known as c.259A>G), located in coding exon 1 of the EGLN1 gene, results from an A to G substitution at nucleotide position 259. The arginine at codon 87 is replaced by glycine, an amino acid with dissimilar properties. This amino acid position is conserved. In addition, this alteration is predicted to be tolerated by in silico analysis. Since supporting evidence is limited at this time, the clinical significance of this alteration remains unclear.

Labcorp Genetics (formerly Invitae), Labcorp
Classification: Uncertain significance for Erythrocytosis, familial, 3. Last evaluated: 2023-10-20. Review status: criteria provided, single submitter. Criteria: Invitae Variant Classification Sherloc (09022015). Collection method: clinical testing. Allele origin: germline.
Comment: This sequence change replaces arginine, which is basic and polar, with glycine, which is neutral and non-polar, at codon 87 of the EGLN1 protein (p.Arg87Gly). This variant is not present in population databases (gnomAD no frequency). This variant has not been reported in the literature in individuals affected with EGLN1-related conditions. ClinVar contains an entry for this variant (Variation ID: 1440676). Algorithms developed to predict the effect of missense changes on protein structure and function output the following: SIFT: "Not Available"; PolyPhen-2: "Benign"; Align-GVGD: "Not Available". The glycine amino acid residue is found in multiple mammalian species, which suggests that this missense change does not adversely affect protein function. In summary, the available evidence is currently insufficient to determine the role of this variant in disease. Therefore, it has been classified as a Variant of Uncertain Significance.

NM_022051.3(EGLN1):c.259A>G (p.Arg87Gly)

Gene: EGLN1 (egl-9 family hypoxia inducible factor 1; minus strand). Cytogenetic location: 1q42.2.
Variant type: single nucleotide variant.
Coding change: c.259A>G on transcript NM_022051.3 (MANE Select); coding-DNA position 259, A replaced by G.
Protein change: p.Arg87Gly; replaces arginine 87 with glycine.
Molecular consequence: missense variant.
Genome position (GRCh38, 1-based): chr1:231,421,630, T>C on the plus strand (A>G on the coding strand, the complement: EGLN1 is on the minus strand). VCF-style: chr1-231421630-T-C. GRCh37 (hg19) VCF-style: chr1-231557376-T-C.
Other names: c.259A>G, p.Arg87Gly (NM_001377260.1, NM_001377261.1); short protein forms R87G.
Identifiers: ClinVar variation 1440676 (VCV001440676.9), dbSNP rs1167403455, ClinGen allele CA345238234.